The following is an entry in ClinVar:

ClinVar aggregate classification (germline): Uncertain significance (1 of 4 stars; one submission).

Submission:

GeneDx
Classification: Uncertain significance. Last evaluated: 2019-12-16. Review status: criteria provided, single submitter. Criteria: GeneDx Variant Classification Process June 2021. Collection method: clinical testing. Allele origin: germline. Affected: yes.
Comment: Not observed in large population cohorts (Lek et al., 2016); Has not been previously published as pathogenic or benign to our knowledge; In-silico analysis, which includes splice predictors and evolutionary conservation, is inconclusive as to whether the variant alters gene splicing. In the absence of RNA/functional studies, the actual effect of this sequence change is unknown.

NM_002547.3(OPHN1):c.1139-8del

Gene: OPHN1 (oligophrenin 1; minus strand). Cytogenetic location: Xq12.
Variant type: Deletion.
Coding change: c.1139-8del on transcript NM_002547.3 (MANE Select); 8 bases into the intron before coding-DNA position 1139, one base deleted (T; older notation c.1139-8delT).
Molecular consequence: intron variant.
Genome position (GRCh38, 1-based): chrX:68,193,960, A deleted on the plus strand (T on the coding strand, the reverse complement: OPHN1 is on the minus strand); the first of 2 consecutive A bases (chrX:68,193,960-68,193,961); deleting either gives the same sequence. VCF-style (leftmost placement, unchanged base first): chrX-68193959-CA-C. GRCh37 (hg19) VCF-style: chrX-67413801-CA-C.
Identifiers: ClinVar variation 1303601 (VCV001303601.2), dbSNP rs964337927, ClinGen allele CA330817446.